The following is an entry in ClinVar:

NM_005502.4(ABCA1):c.6183C>T (p.Gly2061=)

Genes: ABCA1 (ATP binding cassette subfamily A member 1; minus strand), NIPSNAP3B (nipsnap homolog 3B; plus strand). Cytogenetic location: 9q31.1.
Variant type: single nucleotide variant.
Coding change: c.6183C>T on transcript NM_005502.4 (MANE Select); coding-DNA position 6183, C replaced by T.
Protein change: p.Gly2061=; no amino-acid change (glycine 2061 retained).
Molecular consequence: synonymous variant.
Genome position (GRCh38, 1-based): chr9:104,787,941, G>A on the plus strand (C>T on the coding strand, the complement: ABCA1 is on the minus strand). VCF-style: chr9-104787941-G-A. GRCh37 (hg19) VCF-style: chr9-107550222-G-A.
Other names: p.Gly2061=.
Identifiers: ClinVar variation 364381 (VCV000364381.20), dbSNP rs9282537, ClinGen allele CA5167617.
Genomic context (GRCh38, chr9:104,787,941, plus strand): 5'-AGGCCAGAACAACAGTTTTCCATCCACAGTTATACTCACCAGAAACACCACAGGAGGCCC[G>A]CCGATCAAAGCCATGGCTGTAGAGAGCTTGCGTTTGTTGCCTCCACTATAGTTACCAGCA-3'
Protein context (NP_005493.2, residues 2051-2071): RKLSTAMALI[Gly2061=]GPPVVFLDEP

ClinVar aggregate classification (germline): Benign. Review status: criteria provided, multiple submitters, no conflicts (2 of 4 stars). 8 submissions from 7 submitters: Benign (8). Last evaluated 2026-02-03.

Conditions:
Hypoalphalipoproteinemia, primary, 1. Identifiers: Orphanet 425, MedGen C5231558, MONDO:0011393, OMIM 604091.
Cardiovascular phenotype. Identifiers: MedGen CN230736.
Tangier disease (TGD). Also called: Cholesterol thesaurismosis; HIGH DENSITY LIPOPROTEIN DEFICIENCY, TANGIER TYPE; HIGH DENSITY LIPOPROTEIN DEFICIENCY, TYPE 1. Identifiers: Orphanet 31150, MedGen C0039292, MONDO:0008783, OMIM 205400.

Allele frequency attached by ClinVar (database versions not stated): gnomAD exomes 0.02310 and 0.03275; ExAC 0.03634; 1000 Genomes Project 0.07648; gnomAD 0.07801 and 0.08299; 1000 Genomes Project 30x 0.08245; ESP Exome Variant Server 0.08581; TOPMed 0.08669.
gnomAD v4.1: 46,189 of 1,613,948 alleles (2.9%); highest among the groups gnomAD compares: African/African-American, 23%; 2,397 homozygotes.

Submissions (37):

Labcorp Genetics (formerly Invitae), Labcorp
Classification: Benign. Last evaluated: 2026-02-03. Review status: criteria provided, single submitter. Criteria: Invitae Variant Classification Sherloc (09022015). Collection method: clinical testing. Allele origin: germline.

Blueprint Genetics
Classification: Benign. Last evaluated: 2024-11-27. Review status: criteria provided, single submitter. Criteria: ACMG Guidelines, 2015. Collection method: clinical testing. Allele origin: germline.

Mayo Clinic Laboratories, Mayo Clinic
Classification: Benign. Last evaluated: 2020-06-03. Review status: criteria provided, single submitter. Criteria: ACMG Guidelines, 2015. Collection method: clinical testing. Allele origin: germline. Observed: 68 variant alleles.

GeneDx
Classification: Benign. Last evaluated: 2019-04-21. Review status: criteria provided, single submitter. Criteria: GeneDx Variant Classification Process June 2021. Collection method: clinical testing. Allele origin: germline. Affected: yes.

Ambry Genetics
Classification: Benign for Cardiovascular phenotype. Last evaluated: 2019-02-11. Review status: criteria provided, single submitter. Criteria: Ambry Variant Classification Scheme 2023. Collection method: clinical testing. Allele origin: germline.

Illumina Laboratory Services, Illumina
Classification: Benign for Tangier disease. Last evaluated: 2018-01-12. Review status: criteria provided, single submitter. Criteria: ICSL Variant Classification Criteria 13 December 2019. Collection method: clinical testing. Allele origin: germline.
Comment: This variant was observed in the ICSL laboratory as part of a predisposition screen in an ostensibly healthy population. It had not been previously curated by ICSL or reported in the Human Gene Mutation Database (HGMD: prior to June 1st, 2018), and was therefore a candidate for classification through an automated scoring system. Utilizing variant allele frequency, disease prevalence and penetrance estimates, and inheritance mode, an automated score was calculated to assess if this variant is too frequent to cause the disease. Based on the score and internal cut-off values, a variant classified as benign is not then subjected to further curation. The score for this variant resulted in a classification of benign for this disease.

Illumina Laboratory Services, Illumina
Classification: Benign for Hypoalphalipoproteinemia, primary, 1. Last evaluated: 2018-01-12. Review status: criteria provided, single submitter. Criteria: ICSL Variant Classification Criteria 13 December 2019. Collection method: clinical testing. Allele origin: germline.
Comment: the same text as in the submission from Illumina Laboratory Services, Illumina above.

Breakthrough Genomics
Classification: Benign. Review status: criteria provided, single submitter. Criteria: ACMG Guidelines, 2015. Collection method: not provided. Allele origin: germline. Inheritance: Autosomal recessive inheritance. Affected: yes.

Dr. Peter K. Rogan Lab, Western University
No classification provided (evidence only). Condition: Melanoma. Review status: no classification provided. Collection method: in vitro. Allele origin: not applicable. Functional consequence: retained intron. Not counted in ClinVar's aggregate classification.

Dr. Peter K. Rogan Lab, Western University
No classification provided (evidence only). Condition: Melanoma. Review status: no classification provided. Collection method: in vitro. Allele origin: not applicable. Functional consequence: retained intron. Not counted in ClinVar's aggregate classification.

Dr. Peter K. Rogan Lab, Western University
No classification provided (evidence only). Condition: Acute myeloid leukemia. Review status: no classification provided. Collection method: in vitro. Allele origin: not applicable. Functional consequence: retained intron. Not counted in ClinVar's aggregate classification.

Dr. Peter K. Rogan Lab, Western University
No classification provided (evidence only). Condition: Acute myeloid leukemia. Review status: no classification provided. Collection method: in vitro. Allele origin: not applicable. Functional consequence: retained intron. Not counted in ClinVar's aggregate classification.

Dr. Peter K. Rogan Lab, Western University
No classification provided (evidence only). Condition: Acute myeloid leukemia. Review status: no classification provided. Collection method: in vitro. Allele origin: not applicable. Functional consequence: retained intron. Not counted in ClinVar's aggregate classification.

Dr. Peter K. Rogan Lab, Western University
No classification provided (evidence only). Condition: Acute myeloid leukemia. Review status: no classification provided. Collection method: in vitro. Allele origin: not applicable. Functional consequence: retained intron. Not counted in ClinVar's aggregate classification.

Dr. Peter K. Rogan Lab, Western University
No classification provided (evidence only). Condition: Colon adenocarcinoma. Review status: no classification provided. Collection method: in vitro. Allele origin: not applicable. Functional consequence: retained intron. Not counted in ClinVar's aggregate classification.

Dr. Peter K. Rogan Lab, Western University
No classification provided (evidence only). Condition: Colon adenocarcinoma. Review status: no classification provided. Collection method: in vitro. Allele origin: not applicable. Functional consequence: retained intron. Not counted in ClinVar's aggregate classification.

Dr. Peter K. Rogan Lab, Western University
No classification provided (evidence only). Condition: Colon adenocarcinoma. Review status: no classification provided. Collection method: in vitro. Allele origin: not applicable. Functional consequence: retained intron. Not counted in ClinVar's aggregate classification.

Dr. Peter K. Rogan Lab, Western University
No classification provided (evidence only). Condition: Sarcoma. Review status: no classification provided. Collection method: in vitro. Allele origin: not applicable. Functional consequence: retained intron. Not counted in ClinVar's aggregate classification.

Dr. Peter K. Rogan Lab, Western University
No classification provided (evidence only). Condition: Sarcoma. Review status: no classification provided. Collection method: in vitro. Allele origin: not applicable. Functional consequence: retained intron. Not counted in ClinVar's aggregate classification.

Dr. Peter K. Rogan Lab, Western University
No classification provided (evidence only). Condition: Sarcoma. Review status: no classification provided. Collection method: in vitro. Allele origin: not applicable. Functional consequence: retained intron. Not counted in ClinVar's aggregate classification.

Dr. Peter K. Rogan Lab, Western University
No classification provided (evidence only). Condition: Sarcoma. Review status: no classification provided. Collection method: in vitro. Allele origin: not applicable. Functional consequence: retained intron. Not counted in ClinVar's aggregate classification.

Dr. Peter K. Rogan Lab, Western University
No classification provided (evidence only). Condition: Sarcoma. Review status: no classification provided. Collection method: in vitro. Allele origin: not applicable. Functional consequence: retained intron. Not counted in ClinVar's aggregate classification.

Dr. Peter K. Rogan Lab, Western University
No classification provided (evidence only). Condition: Sarcoma. Review status: no classification provided. Collection method: in vitro. Allele origin: not applicable. Functional consequence: retained intron. Not counted in ClinVar's aggregate classification.

Dr. Peter K. Rogan Lab, Western University
No classification provided (evidence only). Condition: Sarcoma. Review status: no classification provided. Collection method: in vitro. Allele origin: not applicable. Functional consequence: retained intron. Not counted in ClinVar's aggregate classification.

Dr. Peter K. Rogan Lab, Western University
No classification provided (evidence only). Condition: Sarcoma. Review status: no classification provided. Collection method: in vitro. Allele origin: not applicable. Functional consequence: retained intron. Not counted in ClinVar's aggregate classification.

Dr. Peter K. Rogan Lab, Western University
No classification provided (evidence only). Condition: Hepatocellular carcinoma. Review status: no classification provided. Collection method: in vitro. Allele origin: not applicable. Functional consequence: retained intron. Not counted in ClinVar's aggregate classification.

Dr. Peter K. Rogan Lab, Western University
No classification provided (evidence only). Condition: Hepatocellular carcinoma. Review status: no classification provided. Collection method: in vitro. Allele origin: not applicable. Functional consequence: retained intron. Not counted in ClinVar's aggregate classification.

Dr. Peter K. Rogan Lab, Western University
No classification provided (evidence only). Condition: Hepatocellular carcinoma. Review status: no classification provided. Collection method: in vitro. Allele origin: not applicable. Functional consequence: retained intron. Not counted in ClinVar's aggregate classification.

Dr. Peter K. Rogan Lab, Western University
No classification provided (evidence only). Condition: Nonpapillary renal cell carcinoma. Review status: no classification provided. Collection method: in vitro. Allele origin: not applicable. Functional consequence: retained intron. Not counted in ClinVar's aggregate classification.

Dr. Peter K. Rogan Lab, Western University
No classification provided (evidence only). Condition: Thymoma. Review status: no classification provided. Collection method: in vitro. Allele origin: not applicable. Functional consequence: retained intron. Not counted in ClinVar's aggregate classification.

Dr. Peter K. Rogan Lab, Western University
No classification provided (evidence only). Condition: Cholangiocarcinoma. Review status: no classification provided. Collection method: in vitro. Allele origin: not applicable. Functional consequence: retained intron. Not counted in ClinVar's aggregate classification.

Dr. Peter K. Rogan Lab, Western University
No classification provided (evidence only). Condition: Cholangiocarcinoma. Review status: no classification provided. Collection method: in vitro. Allele origin: not applicable. Functional consequence: retained intron. Not counted in ClinVar's aggregate classification.

Dr. Peter K. Rogan Lab, Western University
No classification provided (evidence only). Condition: Adrenocortical carcinoma, hereditary. Review status: no classification provided. Collection method: in vitro. Allele origin: not applicable. Functional consequence: retained intron. Not counted in ClinVar's aggregate classification.

Dr. Peter K. Rogan Lab, Western University
No classification provided (evidence only). Condition: Uterine carcinosarcoma. Review status: no classification provided. Collection method: in vitro. Allele origin: not applicable. Functional consequence: retained intron. Not counted in ClinVar's aggregate classification.

Dr. Peter K. Rogan Lab, Western University
No classification provided (evidence only). Condition: Malignant tumor of esophagus. Review status: no classification provided. Collection method: in vitro. Allele origin: not applicable. Functional consequence: retained intron. Not counted in ClinVar's aggregate classification.

Dr. Peter K. Rogan Lab, Western University
No classification provided (evidence only). Condition: Malignant tumor of esophagus. Review status: no classification provided. Collection method: in vitro. Allele origin: not applicable. Functional consequence: retained intron. Not counted in ClinVar's aggregate classification.

Dr. Peter K. Rogan Lab, Western University
No classification provided (evidence only). Condition: Malignant tumor of esophagus. Review status: no classification provided. Collection method: in vitro. Allele origin: not applicable. Functional consequence: retained intron. Not counted in ClinVar's aggregate classification.